The following is an entry in ClinVar:

ClinVar aggregate classification (germline): Uncertain significance (1 of 4 stars; one submission).

Conditions:
Immunodeficiency-centromeric instability-facial anomalies syndrome 2 (ICF2). Identifiers: Orphanet 2268, MedGen C3279748, MONDO:0013553, OMIM 614069.

Allele frequency attached by ClinVar (database versions not stated): gnomAD exomes below 0.00001; ExAC 0.00001; ESP Exome Variant Server 0.00008.

Submission:

Labcorp Genetics (formerly Invitae), Labcorp
Classification: Uncertain significance for Immunodeficiency-centromeric instability-facial anomalies syndrome 2. Last evaluated: 2022-04-04. Review status: criteria provided, single submitter. Criteria: Invitae Variant Classification Sherloc (09022015). Collection method: clinical testing. Allele origin: germline.
Comment: In summary, the available evidence is currently insufficient to determine the role of this variant in disease. Therefore, it has been classified as a Variant of Uncertain Significance. This sequence change replaces alanine, which is neutral and non-polar, with serine, which is neutral and polar, at codon 358 of the ZBTB24 protein (p.Ala358Ser). This variant is present in population databases (rs140652811, gnomAD 0.0009%). This variant has not been reported in the literature in individuals affected with ZBTB24-related conditions. Algorithms developed to predict the effect of missense changes on protein structure and function are either unavailable or do not agree on the potential impact of this missense change (SIFT: "Not Available"; PolyPhen-2: "Benign"; Align-GVGD: "Not Available").

NM_014797.3(ZBTB24):c.1072G>T (p.Ala358Ser)

Gene: ZBTB24 (zinc finger and BTB domain containing 24; minus strand). Cytogenetic location: 6q21.
Variant type: single nucleotide variant.
Coding change: c.1072G>T on transcript NM_014797.3 (MANE Select); coding-DNA position 1072, G replaced by T.
Protein change: p.Ala358Ser; replaces alanine 358 with serine.
Molecular consequence: missense variant.
Genome position (GRCh38, 1-based): chr6:109,476,811, C>A on the plus strand (G>T on the coding strand, the complement: ZBTB24 is on the minus strand). VCF-style: chr6-109476811-C-A. GRCh37 (hg19) VCF-style: chr6-109798014-C-A.
Other names: short protein forms A358S.
Identifiers: ClinVar variation 2136968 (VCV002136968.4), dbSNP rs140652811, ClinGen allele CA3954198.